The following is an entry in ClinVar:

ClinVar aggregate classification (germline): Uncertain significance (1 of 4 stars; one submission).

gnomAD v4.1: 5 of 1,610,834 alleles (0.00031%); highest among the groups gnomAD compares: African/African-American, 0.0013%; no homozygotes.

Submission:

CeGaT Center for Human Genetics Tuebingen
Classification: Uncertain significance. Last evaluated: 2026-01-01. Review status: criteria provided, single submitter. Criteria: CeGaT Center For Human Genetics Tuebingen Variant Classification Criteria Version 2. Collection method: clinical testing. Allele origin: germline. Affected: yes. Observed: 1 variant allele.
Comment: ZBTB7A: PP2

NM_015898.4(ZBTB7A):c.179A>G (p.Lys60Arg)

Gene: ZBTB7A (zinc finger and BTB domain containing 7A; minus strand). Cytogenetic location: 19p13.3.
Variant type: single nucleotide variant.
Coding change: c.179A>G on transcript NM_015898.4 (MANE Select); coding-DNA position 179, A replaced by G.
Protein change: p.Lys60Arg; replaces lysine 60 with arginine.
Molecular consequence: missense variant.
Genome position (GRCh38, 1-based): chr19:4,055,054, T>C on the plus strand (A>G on the coding strand, the complement: ZBTB7A is on the minus strand). VCF-style: chr19-4055054-T-C. GRCh37 (hg19) VCF-style: chr19-4055052-T-C.
Other names: c.179A>G, p.Lys60Arg (NM_001317990.2); short protein forms K60R.
Identifiers: ClinVar variation 4821429 (VCV004821429.4).